The following is an entry in ClinVar:

NM_006946.4(SPTBN2):c.5653G>A (p.Val1885Met)

Gene: SPTBN2 (spectrin beta, non-erythrocytic 2; minus strand). Cytogenetic location: 11q13.2.
Variant type: single nucleotide variant.
Coding change: c.5653G>A on transcript NM_006946.4 (MANE Select); coding-DNA position 5653, G replaced by A.
Protein change: p.Val1885Met; replaces valine 1885 with methionine.
Molecular consequence: missense variant.
Genome position (GRCh38, 1-based): chr11:66,690,196, C>T on the plus strand (G>A on the coding strand, the complement: SPTBN2 is on the minus strand). VCF-style: chr11-66690196-C-T. GRCh37 (hg19) VCF-style: chr11-66457667-C-T.
Other names: c.5674G>A, p.Val1892Met (NM_001411025.1); c.5653G>A (NM_006946.2); short protein forms V1885M, V1892M.
Identifiers: ClinVar variation 2729764 (VCV002729764.4), dbSNP rs770241054, ClinGen allele CA6128190.

ClinVar aggregate classification (germline): Uncertain significance. Review status: criteria provided, multiple submitters, no conflicts (2 of 4 stars). 2 submissions from 2 submitters: Uncertain significance (2). Last evaluated 2024-05-28.

Allele frequency attached by ClinVar (database versions not stated): gnomAD 0.00001; TOPMed 0.00001; ExAC 0.00002; gnomAD exomes 0.00004.
gnomAD v4.1: 61 of 1,613,824 alleles (0.0038%); highest among the groups gnomAD compares: Middle Eastern, 0.016%; no homozygotes.

Submissions (2):

GeneDx
Classification: Uncertain significance. Last evaluated: 2024-05-28. Review status: criteria provided, single submitter. Criteria: GeneDx Variant Classification Process June 2021. Collection method: clinical testing. Allele origin: germline. Affected: yes.
Comment: In silico analysis supports that this missense variant has a deleterious effect on protein structure/function; Has not been previously published as pathogenic or benign to our knowledge

Labcorp Genetics (formerly Invitae), Labcorp
Classification: Uncertain significance. Last evaluated: 2023-08-22. Review status: criteria provided, single submitter. Criteria: Invitae Variant Classification Sherloc (09022015). Collection method: clinical testing. Allele origin: germline.
Comment: Advanced modeling of protein sequence and biophysical properties (such as structural, functional, and spatial information, amino acid conservation, physicochemical variation, residue mobility, and thermodynamic stability) performed at Invitae indicates that this missense variant is not expected to disrupt SPTBN2 protein function. This variant has not been reported in the literature in individuals affected with SPTBN2-related conditions. This variant is present in population databases (rs770241054, gnomAD 0.005%). This sequence change replaces valine, which is neutral and non-polar, with methionine, which is neutral and non-polar, at codon 1885 of the SPTBN2 protein (p.Val1885Met). In summary, the available evidence is currently insufficient to determine the role of this variant in disease. Therefore, it has been classified as a Variant of Uncertain Significance.